The following is an entry in ClinVar:

ClinVar aggregate classification (germline): Likely benign (1 of 4 stars; one submission).

Allele frequency attached by ClinVar (database versions not stated): gnomAD exomes below 0.00001.
gnomAD v4.1: 1 of 1,614,084 alleles (0.000062%); highest among the groups gnomAD compares: Non-Finnish European, 0.000085%; no homozygotes.

Submission:

CeGaT Center for Human Genetics Tuebingen
Classification: Likely benign. Last evaluated: 2023-09-01. Review status: criteria provided, single submitter. Criteria: CeGaT Center For Human Genetics Tuebingen Variant Classification Criteria Version 2. Collection method: clinical testing. Allele origin: germline. Affected: yes. Observed: 1 variant allele.
Comment: ANK3: PM2:Supporting, BP4, BP7

NM_020987.5(ANK3):c.5199T>C (p.Asn1733=)

Gene: ANK3 (ankyrin 3; minus strand). Cytogenetic location: 10q21.2.
Variant type: single nucleotide variant.
Coding change: c.5199T>C on transcript NM_020987.5 (MANE Select); coding-DNA position 5199, T replaced by C.
Protein change: p.Asn1733=; no amino-acid change (asparagine 1733 retained).
Molecular consequence: synonymous variant. On other transcripts: intron variant (4).
Genome position (GRCh38, 1-based): chr10:60,075,682, A>G on the plus strand (T>C on the coding strand, the complement: ANK3 is on the minus strand). VCF-style: chr10-60075682-A-G. GRCh37 (hg19) VCF-style: chr10-61835440-A-G.
Other names: c.4387+4855T>C (NM_001204403.2); c.4408+4855T>C (NM_001204404.2); c.4405+4855T>C (NM_001320874.2); c.1807+4855T>C (NM_001149.4).
Identifiers: ClinVar variation 2582880 (VCV002582880.25), dbSNP rs2492574123, ClinGen allele CA469994112.
Genomic context (GRCh38, chr10:60,075,682, plus strand): 5'-GCTCACAGAGTTTGTAGCAGAAGAAATTTTTTCCTGTAACGTGGCAGTGGCTTTGCATCC[A>G]TTAATTAAAGTTGAGGATGATGGATATTTTAGAGGGGAAATAGATCCATTGACTAATGCT-3'
Protein context (NP_066267.2, residues 1723-1743): LKYPSSSTLI[Asn1733=]GCKATATLQE